The following is an entry in ClinVar:

NM_006031.6(PCNT):c.247G>C (p.Gly83Arg)

Gene: PCNT (pericentrin; plus strand). Cytogenetic location: 21q22.3.
Variant type: single nucleotide variant.
Coding change: c.247G>C on transcript NM_006031.6 (MANE Select); coding-DNA position 247, G replaced by C.
Protein change: p.Gly83Arg; replaces glycine 83 with arginine.
Molecular consequence: missense variant. On other transcripts: 5 prime UTR variant (1).
Genome position (GRCh38, 1-based): chr21:46,326,569, G>C. VCF-style: chr21-46326569-G-C. GRCh37 (hg19) VCF-style: chr21-47746483-G-C.
Other names: c.-108G>C (NM_001315529.2); c.247G>C (NM_006031.5); short protein forms G83R.
Identifiers: ClinVar variation 282263 (VCV000282263.7), dbSNP rs886042361, ClinGen allele CA10604127.

ClinVar aggregate classification (germline): Uncertain significance. Review status: criteria provided, multiple submitters, no conflicts (2 of 4 stars). 2 submissions from 2 submitters: Uncertain significance (2). Last evaluated 2026-09-18.

Conditions:
PCNT-related disorder. Also called: PCNT-related condition.

gnomAD v4.1: 8 of 1,614,042 alleles (0.0005%); highest among the groups gnomAD compares: Middle Eastern, 0.017%; no homozygotes.

Submissions (2):

PreventionGenetics, part of Exact Sciences
Classification: Uncertain significance for PCNT-related condition. Last evaluated: 2026-09-18. Review status: criteria provided, single submitter. Criteria: ACMG Guidelines, 2015. Collection method: clinical testing. Allele origin: germline.
Comment: The PCNT c.247G>C variant is predicted to result in the amino acid substitution p.Gly83Arg. To our knowledge, this variant has not been reported in the literature. This variant is reported in 0.00088% of alleles in individuals of European (Non-Finnish) descent in gnomAD. At this time, the clinical significance of this variant is uncertain due to the absence of conclusive functional and genetic evidence.

Eurofins Ntd Llc (ga)
Classification: Uncertain significance. Last evaluated: 2015-09-11. Review status: criteria provided, single submitter. Criteria: EGL Classification Definitions 2015. Collection method: clinical testing. Allele origin: germline. Observed: 1 variant allele, 1 heterozygote.